The following is an entry in ClinVar:

ClinVar aggregate classification (germline): Uncertain significance (1 of 4 stars; one submission).

Conditions:
RYR1-related disorder. Also called: RYR1-related disorders; RYR1-related condition. Identifiers: MedGen CN239331.

Submission:

Labcorp Genetics (formerly Invitae), Labcorp
Classification: Uncertain significance for RYR1-related disorder. Last evaluated: 2019-07-23. Review status: criteria provided, single submitter. Criteria: Invitae Variant Classification Sherloc (09022015). Collection method: clinical testing. Allele origin: germline.
Comment: This variant, c.14590_14592del, results in the deletion of 1 amino acid(s) of the RYR1 protein (p.Tyr4864del), but otherwise preserves the integrity of the reading frame. This variant is not present in population databases (ExAC no frequency). This variant has not been reported in the literature in individuals with RYR1-related conditions. Experimental studies and prediction algorithms are not available or were not evaluated for this variant, and the functional significance of the affected amino acid(s) is currently unknown. In summary, the available evidence is currently insufficient to determine the role of this variant in disease. Therefore, it has been classified as a Variant of Uncertain Significance.

NM_000540.3(RYR1):c.14590_14592del (p.Tyr4864del)

Gene: RYR1 (ryanodine receptor 1; plus strand). Cytogenetic location: 19q13.2.
Variant type: Deletion.
Coding change: c.14590_14592del on transcript NM_000540.3 (MANE Select); coding-DNA positions 14590 to 14592, 3 bases deleted (TAC; older notation c.14590_14592delTAC).
Protein change: p.Tyr4864del; deletes tyrosine 4864.
Molecular consequence: inframe deletion.
Genome position (GRCh38, 1-based): chr19:38,580,448-38,580,450, TAC deleted; deleting any 3 consecutive bases within chr19:38,580,447-38,580,450 gives the same sequence; the c. name uses the placement nearest the transcript's 3' end. VCF-style (leftmost placement, unchanged base first): chr19-38580446-TCTA-T. GRCh37 (hg19) VCF-style: chr19-39071086-TCTA-T.
Other names: c.14575_14577del, p.Tyr4859del (NM_001042723.2); short protein forms Y4864del, Y4859del.
Identifiers: ClinVar variation 949436 (VCV000949436.8), dbSNP rs1974150661, ClinGen allele CA1139666435.
Genomic context (GRCh38, chr19:38,580,446, plus strand): 5'-GCCTTCTGGCGGTGGTCGTCTACCTGTACACCGTGGTGGCCTTCAACTTCTTCCGCAAGT[TCTA>T]CAACAAGAGCGAGGATGAGGATGAACCTGACATGAAGTGTGATGACATGATGACGGTGAG-3'